The following is an entry in ClinVar:

NM_004655.4(AXIN2):c.9C>A (p.Ser3Arg)

Gene: AXIN2 (axin 2; minus strand). Cytogenetic location: 17q24.1.
Variant type: single nucleotide variant.
Coding change: c.9C>A on transcript NM_004655.4 (MANE Select); coding-DNA position 9, C replaced by A.
Protein change: p.Ser3Arg; replaces serine 3 with arginine.
Molecular consequence: missense variant.
Genome position (GRCh38, 1-based): chr17:65,558,612, G>T on the plus strand (C>A on the coding strand, the complement: AXIN2 is on the minus strand). VCF-style: chr17-65558612-G-T. GRCh37 (hg19) VCF-style: chr17-63554730-G-T.
Other names: c.9C>A, p.Ser3Arg (NM_001363813.1); short protein forms S3R.
Identifiers: ClinVar variation 4619622 (VCV004619622.1).

ClinVar aggregate classification (germline): Uncertain significance (1 of 4 stars; one submission).

Conditions:
Hereditary cancer-predisposing syndrome. Also called: Neoplastic Syndromes, Hereditary; Tumor predisposition; Hereditary Cancer Syndrome; Hereditary neoplastic syndrome. Identifiers: Orphanet 140162, MedGen C0027672, MeSH D009386, MONDO:0015356.

Submission:

Ambry Genetics
Classification: Uncertain significance for Hereditary cancer-predisposing syndrome. Last evaluated: 2025-10-06. Review status: criteria provided, single submitter. Criteria: Ambry Variant Classification Scheme 2023. Collection method: clinical testing. Allele origin: germline.
Comment: The p.S3R variant (also known as c.9C>A), located in coding exon 1 of the AXIN2 gene, results from a C to A substitution at nucleotide position 9. The serine at codon 3 is replaced by arginine, an amino acid with dissimilar properties. This amino acid position is conserved. In addition, this alteration is predicted to be tolerated by in silico analysis. Based on the available evidence, the clinical significance of this variant remains unclear.